The following is an entry in ClinVar:

NM_014712.3(SETD1A):c.3846A>G (p.Thr1282=)

Gene: SETD1A (SET domain containing 1A, histone lysine methyltransferase; plus strand). Cytogenetic location: 16p11.2.
Variant type: single nucleotide variant.
Coding change: c.3846A>G on transcript NM_014712.3 (MANE Select); coding-DNA position 3846, A replaced by G.
Protein change: p.Thr1282=; no amino-acid change (threonine 1282 retained).
Molecular consequence: synonymous variant.
Genome position (GRCh38, 1-based): chr16:30,979,632, A>G. VCF-style: chr16-30979632-A-G. GRCh37 (hg19) VCF-style: chr16-30990953-A-G.
Identifiers: ClinVar variation 3341566 (VCV003341566.16).

ClinVar aggregate classification (germline): Likely benign (1 of 4 stars; one submission).

gnomAD v4.1: 662 of 1,610,870 alleles (0.041%); highest among the groups gnomAD compares: Middle Eastern, 0.4%; 2 homozygotes.

Submission:

CeGaT Center for Human Genetics Tuebingen
Classification: Likely benign. Last evaluated: 2024-08-01. Review status: criteria provided, single submitter. Criteria: CeGaT Center For Human Genetics Tuebingen Variant Classification Criteria Version 2. Collection method: clinical testing. Allele origin: germline. Affected: yes. Observed: 1 variant allele.
Comment: SETD1A: BP4, BP7